The following is an entry in ClinVar:

ClinVar aggregate classification (germline): Uncertain significance (1 of 4 stars; one submission).

Conditions:
Congenital myasthenic syndrome 20. Also called: Myasthenic syndrome, congenital, 20, presynaptic. Identifiers: MedGen C4310694, MONDO:0014939, OMIM 617143.
Neuronopathy, distal hereditary motor, type 7A. Also called: HARPER-YOUNG MYOPATHY; HMN VIIA; SPINAL MUSCULAR ATROPHY, DISTAL, WITH VOCAL CORD PARALYSIS; NEURONOPATHY, DISTAL HEREDITARY MOTOR, HARDING TYPE VIIA; NEUROPATHY, DISTAL HEREDITARY MOTOR, HARDING TYPE VIIA; Neuronopathy, distal hereditary motor, autosomal dominant 7. Identifiers: Orphanet 139589, MedGen C1834703, MONDO:0008024, OMIM 158580.

Allele frequency attached by ClinVar (database versions not stated): gnomAD 0.00001.
gnomAD v4.1: 1 of 1,613,852 alleles (0.000062%); highest among the groups gnomAD compares: Non-Finnish European, 0.000085%; no homozygotes.

Submission:

Labcorp Genetics (formerly Invitae), Labcorp
Classification: Uncertain significance for Neuronopathy, distal hereditary motor, type 7A; Congenital myasthenic syndrome 20. Last evaluated: 2025-10-02. Review status: criteria provided, single submitter. Criteria: Invitae Variant Classification Sherloc (09022015). Collection method: clinical testing. Allele origin: germline.
Comment: This sequence change replaces isoleucine, which is neutral and non-polar, with methionine, which is neutral and non-polar, at codon 494 of the SLC5A7 protein (p.Ile494Met). This variant is not present in population databases (gnomAD no frequency). This variant has not been reported in the literature in individuals affected with SLC5A7-related conditions. ClinVar contains an entry for this variant (Variation ID: 2007074). Invitae Evidence Modeling of protein sequence and biophysical properties (such as structural, functional, and spatial information, amino acid conservation, physicochemical variation, residue mobility, and thermodynamic stability) indicates that this missense variant is not expected to disrupt SLC5A7 protein function with a negative predictive value of 80%. In summary, the available evidence is currently insufficient to determine the role of this variant in disease. Therefore, it has been classified as a Variant of Uncertain Significance.

NM_021815.5(SLC5A7):c.1482C>G (p.Ile494Met)

Gene: SLC5A7 (solute carrier family 5 member 7; plus strand). Cytogenetic location: 2q12.3.
Variant type: single nucleotide variant.
Coding change: c.1482C>G on transcript NM_021815.5 (MANE Select); coding-DNA position 1482, C replaced by G.
Protein change: p.Ile494Met; replaces isoleucine 494 with methionine.
Molecular consequence: missense variant.
Genome position (GRCh38, 1-based): chr2:108,010,600, C>G. VCF-style: chr2-108010600-C-G. GRCh37 (hg19) VCF-style: chr2-108627056-C-G.
Other names: c.1482C>G, p.Ile494Met (NM_001305005.3); c.1167C>G, p.Ile389Met (NM_001305006.3); c.741C>G, p.Ile247Met (NM_001305007.3); short protein forms I389M, I494M, I247M.
Identifiers: ClinVar variation 2007074 (VCV002007074.4), dbSNP rs1166107080, ClinGen allele CA348114677.